The following is an entry in ClinVar:

NM_005633.4(SOS1):c.1310T>A (p.Ile437Asn)

Gene: SOS1 (SOS Ras/Rac guanine nucleotide exchange factor 1; minus strand). Cytogenetic location: 2p22.1.
Variant type: single nucleotide variant.
Coding change: c.1310T>A on transcript NM_005633.4 (MANE Select); coding-DNA position 1310, T replaced by A.
Protein change: p.Ile437Asn; replaces isoleucine 437 with asparagine.
Molecular consequence: missense variant.
Genome position (GRCh38, 1-based): chr2:39,023,118, A>T on the plus strand (T>A on the coding strand, the complement: SOS1 is on the minus strand). VCF-style: chr2-39023118-A-T. GRCh37 (hg19) VCF-style: chr2-39250259-A-T.
Other names: c.1289T>A, p.Ile430Asn (NM_001382394.1); c.1310T>A, p.Ile437Asn (NM_001382395.1); short protein forms I430N, I437N.
Identifiers: ClinVar variation 1066783 (VCV001066783.12), dbSNP rs397517150, ClinGen allele CA346366462.
Genomic context (GRCh38, chr2:39,023,118, plus strand): 5'-TGTTTGGCTCCTACACGTGTAAGAGTTCCTTCCATTATAAATTCATTACAACACTGTCCA[A>T]TGTCTTTTCCCTCCCAACCATCAATATTCTTCTGAATCTCGTTCATCTTCTTGATTGCTA-3'
Protein context (NP_005624.2, residues 427-447): KNIDGWEGKD[Ile437Asn]GQCCNEFIME

ClinVar aggregate classification (germline): Likely pathogenic. Review status: criteria provided, multiple submitters, no conflicts (2 of 4 stars). 3 submissions from 3 submitters: Likely pathogenic (3). Last evaluated 2021-10-18.

Conditions:
RASopathy. Also called: rasopathies; Noonan spectrum disorder. Identifiers: Orphanet 536391, MedGen C5555857, MONDO:0021060.
Noonan syndrome 4 (NS4). Also called: NOONAN SYNDROME WITH PIGMENTED VILLONODULAR SYNOVITIS; SOS1-Related Noonan Syndrome. Identifiers: Orphanet 648, MedGen C1853120, MONDO:0012547, OMIM 610733.
Cardiovascular phenotype. Identifiers: MedGen CN230736.

Submissions (3):

Ambry Genetics
Classification: Likely pathogenic for Cardiovascular phenotype. Last evaluated: 2021-10-18. Review status: criteria provided, single submitter. Criteria: Ambry Variant Classification Scheme 2023. Collection method: clinical testing. Allele origin: germline.
Comment: The p.I437N variant (also known as c.1310T>A), located in coding exon 10 of the SOS1 gene, results from a T to A substitution at nucleotide position 1310. The isoleucine at codon 437 is replaced by asparagine, an amino acid with dissimilar properties, and is located in the pleckstrin homology domain. This alteration has been reported in two individuals with Noonan syndrome, including as a de novo occurrence in one case (Lepri F et al. Hum Mutat, 2011 Jul;32:760-72; Lepri FR et al. BMC Med Genet, 2014 Jan;15:14). Another alteration at the same codon, p.I437T (c.1310T>C), has been detected in several unrelated individuals reported to have Noonan syndrome, including de novo occurrences in affected index cases (Lepri F et al. Hum Mutat, 2011 Jul;32:760-72; Moniez S et al. Eur J Endocrinol, 2018 Dec;179:409-418; Prasad RM et al. Pediatr Blood Cancer, 2018 11;65:e27362; Yang L et al. BMC Med Genet, 2018 12;19:212; Ferriero K et al. Front Pediatr, 2020 Sep;8:515; Lazzaro G et al. Mol Genet Genomic Med, 2020 04;8:e1069). This variant is considered to be rare based on population cohorts in the Genome Aggregation Database (gnomAD). This amino acid position is highly conserved in available vertebrate species. In addition, this alteration is predicted to be deleterious by in silico analysis. Based on the majority of available evidence to date, this variant is likely to be pathogenic.

Labcorp Genetics (formerly Invitae), Labcorp
Classification: Likely pathogenic for RASopathy. Last evaluated: 2020-07-22. Review status: criteria provided, single submitter. Criteria: Invitae Variant Classification Sherloc (09022015). Collection method: clinical testing. Allele origin: germline.
Comment: This variant is not present in population databases (ExAC no frequency). This sequence change replaces isoleucine with asparagine at codon 437 of the SOS1 protein (p.Ile437Asn). The isoleucine residue is moderately conserved and there is a large physicochemical difference between isoleucine and asparagine. This variant disrupts the p.Ile437 amino acid residue in SOS1. Other variant(s) that disrupt this residue have been determined to be pathogenic (PMID: 21387466, 24451042, Invitae). This suggests that this residue is clinically significant, and that variants that disrupt this residue are likely to be disease-causing. In summary, the currently available evidence indicates that the variant is pathogenic, but additional data are needed to prove that conclusively. Therefore, this variant has been classified as Likely Pathogenic. Advanced modeling of protein sequence and biophysical properties (such as structural, functional, and spatial information, amino acid conservation, physicochemical variation, residue mobility, and thermodynamic stability) performed at Invitae indicates that this missense variant is expected to disrupt SOS1 protein function. This variant has been observed in individual(s) with Noonan syndrome (PMID: 24451042).

Genome-Nilou Lab
Classification: Likely pathogenic for Noonan syndrome 4. Review status: criteria provided, single submitter. Criteria: ACMG Guidelines, 2015. Collection method: clinical testing. Allele origin: germline.

Literature cited by the submitters: PubMed 21387466 (cited by Ambry Genetics and Labcorp Genetics (formerly Invitae), Labcorp); PubMed 24451042 (cited by Ambry Genetics and Labcorp Genetics (formerly Invitae), Labcorp).